The following is an entry in ClinVar:

ClinVar aggregate classification (germline): Likely benign (1 of 4 stars; one submission).

Conditions:
PRPF8-related disorder. Also called: PRPF8-related condition.

gnomAD v4.1: 7 of 1,613,476 alleles (0.00043%); highest among the groups gnomAD compares: Non-Finnish European, 0.00059%; no homozygotes.

Submission:

PreventionGenetics, part of Exact Sciences
Classification: Likely benign for PRPF8-related condition. Last evaluated: 2026-06-28. Review status: criteria provided, single submitter. Criteria: ACMG Guidelines, 2015. Collection method: clinical testing. Allele origin: germline.
Comment: This variant is classified as likely benign based on ACMG/AMP sequence variant interpretation guidelines (Richards et al. 2015 PMID: 25741868, with internal and published modifications).

NM_006445.4(PRPF8):c.2583G>A (p.Arg861=)

Gene: PRPF8 (pre-mRNA processing factor 8; minus strand). Cytogenetic location: 17p13.3.
Variant type: single nucleotide variant.
Coding change: c.2583G>A on transcript NM_006445.4 (MANE Select); coding-DNA position 2583, G replaced by A.
Protein change: p.Arg861=; no amino-acid change (arginine 861 retained).
Molecular consequence: synonymous variant.
Genome position (GRCh38, 1-based): chr17:1,676,024, C>T on the plus strand (G>A on the coding strand, the complement: PRPF8 is on the minus strand). VCF-style: chr17-1676024-C-T. GRCh37 (hg19) VCF-style: chr17-1579318-C-T.
Identifiers: ClinVar variation 4983406 (VCV004983406.1).